The following is an entry in ClinVar:

NC_000008.10:g.(?_25276935)_(25276996_?)del

Gene: GNRH1 (gonadotropin releasing hormone 1; minus strand). Cytogenetic location: 8p21.2.
Variant type: Deletion.
Identifiers: ClinVar variation 2423410 (VCV002423410.4).

ClinVar aggregate classification (germline): Uncertain significance (1 of 4 stars; one submission).

Submission:

Labcorp Genetics (formerly Invitae), Labcorp
Classification: Uncertain significance. Last evaluated: 2022-03-16. Review status: criteria provided, single submitter. Criteria: Invitae Variant Classification Sherloc (09022015). Collection method: clinical testing. Allele origin: germline.
Comment: In summary, the available evidence is currently insufficient to determine the role of this variant in disease. Therefore, it has been classified as a Variant of Uncertain Significance. This variant has not been reported in the literature in individuals affected with GNRH1-related conditions. This variant is a gross deletion of the genomic region encompassing exon(s) 3 of the GNRH1 gene, which includes the termination codon. This deletion extends beyond the assayed region for this gene and therefore may encompass additional genes. While this deletion is not anticipated to lead to nonsense mediated decay, it is expected to alter mRNA translation or result in a truncated protein product.